The following is an entry in ClinVar:

NM_181882.3(PRX):c.4196C>T (p.Pro1399Leu)

Gene: PRX (periaxin; minus strand). Cytogenetic location: 19q13.2.
Variant type: single nucleotide variant.
Coding change: c.4196C>T on transcript NM_181882.3 (MANE Select); coding-DNA position 4196, C replaced by T.
Protein change: p.Pro1399Leu; replaces proline 1399 with leucine.
Molecular consequence: missense variant. On other transcripts: 3 prime UTR variant (1).
Genome position (GRCh38, 1-based): chr19:40,394,156, G>A on the plus strand (C>T on the coding strand, the complement: PRX is on the minus strand). VCF-style: chr19-40394156-G-A. GRCh37 (hg19) VCF-style: chr19-40900063-G-A.
Other names: c.*4401C>T (NM_020956.2); short protein forms P1399L.
Identifiers: ClinVar variation 543397 (VCV000543397.9), dbSNP rs764183288, ClinGen allele CA9443668.

ClinVar aggregate classification (germline): Uncertain significance. Review status: criteria provided, multiple submitters, no conflicts (2 of 4 stars). 2 submissions from 2 submitters: Uncertain significance (2). Last evaluated 2022-12-06.

Conditions:
Inborn genetic diseases. Identifiers: MedGen C0950123, MeSH D030342.
Charcot-Marie-Tooth disease type 4. Also called: Charcot-Marie-Tooth disease, type IV; Charcot-Marie-Tooth, Type 4. Identifiers: Orphanet 64749, MedGen C4082197, MONDO:0018995.

Allele frequency attached by ClinVar (database versions not stated): gnomAD below 0.00001 and 0.00002; TOPMed below 0.00001; gnomAD exomes 0.00005 and 0.00011; ExAC 0.00016.

Submissions (2):

Labcorp Genetics (formerly Invitae), Labcorp
Classification: Uncertain significance for Charcot-Marie-Tooth disease type 4. Last evaluated: 2022-12-06. Review status: criteria provided, single submitter. Criteria: Invitae Variant Classification Sherloc (09022015). Collection method: clinical testing. Allele origin: germline.
Comment: ClinVar contains an entry for this variant (Variation ID: 543397). Advanced modeling of protein sequence and biophysical properties (such as structural, functional, and spatial information, amino acid conservation, physicochemical variation, residue mobility, and thermodynamic stability) performed at Invitae indicates that this missense variant is not expected to disrupt PRX protein function. In summary, the available evidence is currently insufficient to determine the role of this variant in disease. Therefore, it has been classified as a Variant of Uncertain Significance. This variant has not been reported in the literature in individuals affected with PRX-related conditions. This sequence change replaces proline, which is neutral and non-polar, with leucine, which is neutral and non-polar, at codon 1399 of the PRX protein (p.Pro1399Leu). This variant is present in population databases (rs764183288, gnomAD 0.09%).

Ambry Genetics
Classification: Uncertain significance for Inborn genetic diseases. Last evaluated: 2021-11-09. Review status: criteria provided, single submitter. Criteria: Ambry Variant Classification Scheme 2023. Collection method: clinical testing. Allele origin: germline.